The following is an entry in ClinVar:

ClinVar aggregate classification (germline): Conflicting classifications of pathogenicity. Review status: criteria provided, conflicting classifications (1 of 4 stars). 2 submissions from 2 submitters: Uncertain significance (1); Likely benign (1). Last evaluated 2025-12-29.

Conditions:
Neuronal ceroid lipofuscinosis. Also called: Neuronal Ceroid Lipofuscinoses. Identifiers: Orphanet 216, Orphanet 79263, MedGen C0027877, MONDO:0016295. Disease mechanism: loss of function.

Allele frequency attached by ClinVar (database versions not stated): ExAC 0.00001; gnomAD exomes 0.00002 and 0.00007; TOPMed 0.00002; ESP Exome Variant Server 0.00008.

Submissions (2):

Labcorp Genetics (formerly Invitae), Labcorp
Classification: Likely benign for Neuronal ceroid lipofuscinosis. Last evaluated: 2025-12-29. Review status: criteria provided, single submitter. Criteria: Invitae Variant Classification Sherloc (09022015). Collection method: clinical testing. Allele origin: germline.

GeneDx
Classification: Uncertain significance. Last evaluated: 2022-06-28. Review status: criteria provided, single submitter. Criteria: GeneDx Variant Classification Process June 2021. Collection method: clinical testing. Allele origin: germline. Affected: yes.
Comment: Not observed at significant frequency in large population cohorts (gnomAD); Has not been previously published as pathogenic or benign to our knowledge; In silico analysis suggests this variant may impact gene splicing. In the absence of RNA/functional studies, the actual effect of this sequence change is unknown

NM_001042432.2(CLN3):c.693C>T (p.Leu231=)

Gene: CLN3 (CLN3 lysosomal/endosomal transmembrane protein, battenin; minus strand). Cytogenetic location: 16p12.1.
Variant type: single nucleotide variant.
Coding change: c.693C>T on transcript NM_001042432.2 (MANE Select); coding-DNA position 693, C replaced by T.
Protein change: p.Leu231=; no amino-acid change (leucine 231 retained).
Molecular consequence: synonymous variant.
Genome position (GRCh38, 1-based): chr16:28,484,103, G>A on the plus strand (C>T on the coding strand, the complement: CLN3 is on the minus strand). VCF-style: chr16-28484103-G-A. GRCh37 (hg19) VCF-style: chr16-28495424-G-A.
Other names: c.693C>T, p.Leu231= (NM_000086.2); c.621C>T, p.Leu207= (NM_001286104.2); c.393C>T, p.Leu131= (NM_001286105.2); c.459C>T, p.Leu153= (NM_001286109.2); c.531C>T, p.Leu177= (NM_001286110.2).
Identifiers: ClinVar variation 721317 (VCV000721317.12), dbSNP rs376590377, ClinGen allele CA7980847.
Genomic context (GRCh38, chr16:28,484,103, plus strand): 5'-CTGCCGGGCTGCGCTCTCTGCTTCTTCTTCCCCTCCAGGGTCCTGGGCCTCAGGAGATGT[G>A]AGCAACAAGAAATAGCTAGGAGTAGGATGAAGGCAGGGTCAGAAAACCCTACTGGCTGGG-3'
Protein context (NP_001035897.1, residues 221-241): ALLLASYFLL[Leu231=]TSPEAQDPGG